The following is an entry in ClinVar:

ClinVar aggregate classification (germline): Pathogenic (1 of 4 stars; one submission).

Submission:

GeneDx
Classification: Pathogenic. Last evaluated: 2019-08-26. Review status: criteria provided, single submitter. Criteria: GeneDx Variant Classification Process June 2021. Collection method: clinical testing. Allele origin: germline. Affected: yes.
Comment: Canonical splice site variant predicted to result in abnormal splicing; Not observed in large population cohorts (Lek et al., 2016); Has not been previously published as pathogenic or benign to our knowledge

NM_014927.5(CNKSR2):c.1905-2A>G

Gene: CNKSR2 (connector enhancer of kinase suppressor of Ras 2; plus strand). Cytogenetic location: Xp22.12.
Variant type: single nucleotide variant.
Coding change: c.1905-2A>G on transcript NM_014927.5 (MANE Select); the canonical splice acceptor site of the intron before coding-DNA position 1905, A replaced by G.
Molecular consequence: splice acceptor variant.
Genome position (GRCh38, 1-based): chrX:21,595,322, A>G. VCF-style: chrX-21595322-A-G. GRCh37 (hg19) VCF-style: chrX-21613440-A-G.
Other names: c.1815-2A>G (NM_001168647.3, NM_001330773.2); c.1758-2A>G (NM_001330770.2, NM_001168649.3); c.1668-2A>G (NM_001330772.2, NM_001330771.2); c.1905-2A>G (NM_001168648.3).
Identifiers: ClinVar variation 1194118 (VCV001194118.2), dbSNP rs2147258522, ClinGen allele CA412555622.
Genomic context (GRCh38, chrX:21,595,322, plus strand): 5'-GAATTATTTGGTTCAAACTTATTTCCCAATTTGTAATAAATGTACTTTGTTTCCTTTTGC[A>G]GTGCATTCAAAGCCTGTCATCCTAAAATCAAAAGCTTTTATTTTGCTGCTGAACATCTTG-3'